The following is an entry in ClinVar:

ClinVar aggregate classification (germline): Benign (1 of 4 stars; one submission).

Allele frequency attached by ClinVar (database versions not stated): 1000 Genomes Project 0.00220; 1000 Genomes Project 30x 0.00234; TOPMed 0.00730; gnomAD 0.00758; ExAC 0.00856; ESP Exome Variant Server 0.00877; gnomAD exomes 0.01191.
gnomAD v4.1: 18,490 of 1,612,410 alleles (1.1%); highest among the groups gnomAD compares: Middle Eastern, 1.5%; 137 homozygotes.

Submission:

CeGaT Center for Human Genetics Tuebingen
Classification: Benign. Last evaluated: 2023-08-01. Review status: criteria provided, single submitter. Criteria: CeGaT Center For Human Genetics Tuebingen Variant Classification Criteria Version 2. Collection method: clinical testing. Allele origin: germline. Affected: yes. Observed: 2 variant alleles.
Comment: CDC5L: BP4, BP7, BS1, BS2

NM_001253.4(CDC5L):c.438G>A (p.Glu146=)

Gene: CDC5L (cell division cycle 5 like; plus strand). Cytogenetic location: 6p21.1.
Variant type: single nucleotide variant.
Coding change: c.438G>A on transcript NM_001253.4 (MANE Select); coding-DNA position 438, G replaced by A.
Protein change: p.Glu146=; no amino-acid change (glutamic acid 146 retained).
Molecular consequence: synonymous variant.
Genome position (GRCh38, 1-based): chr6:44,393,572, G>A. VCF-style: chr6-44393572-G-A. GRCh37 (hg19) VCF-style: chr6-44361309-G-A.
Identifiers: ClinVar variation 2571250 (VCV002571250.25), dbSNP rs36064417, ClinGen allele CA3835211.
Genomic context (GRCh38, chr6:44,393,572, plus strand): 5'-AGAAATAGATCCAAATCCAGAAACAAAACCAGCGCGGCCTGATCCAATTGATATGGATGA[G>A]GGTAAGTGTATGCTTTGAGGAATTTATTTCTTTGGTAACTGTAAACTCCTTGGGCCTCAC-3'
Protein context (NP_001244.1, residues 136-156): PARPDPIDMD[Glu146=]DELEMLSEAR